The following is an entry in ClinVar:

ClinVar aggregate classification (germline): Likely benign (1 of 4 stars; one submission).

gnomAD v4.1: 5 of 1,611,914 alleles (0.00031%); highest among the groups gnomAD compares: Admixed American, 0.0083%; no homozygotes.

Submission:

CeGaT Center for Human Genetics Tuebingen
Classification: Likely benign. Last evaluated: 2026-06-01. Review status: criteria provided, single submitter. Criteria: CeGaT Center For Human Genetics Tuebingen Variant Classification Criteria Version 2. Collection method: clinical testing. Allele origin: germline. Affected: yes. Observed: 1 variant allele.
Comment: KNL1: BP4, BP7

NM_144508.5(KNL1):c.6475C>T (p.Leu2159=)

Gene: KNL1 (kinetochore scaffold 1; plus strand). Cytogenetic location: 15q15.1.
Variant type: single nucleotide variant.
Coding change: c.6475C>T on transcript NM_144508.5 (MANE Select); coding-DNA position 6475, C replaced by T.
Protein change: p.Leu2159=; no amino-acid change (leucine 2159 retained).
Molecular consequence: synonymous variant.
Genome position (GRCh38, 1-based): chr15:40,654,968, C>T. VCF-style: chr15-40654968-C-T. GRCh37 (hg19) VCF-style: chr15-40947166-C-T.
Other names: c.6553C>T, p.Leu2185= (NM_170589.5).
Identifiers: ClinVar variation 4875272 (VCV004875272.2).